The following is an entry in ClinVar:

ClinVar aggregate classification (germline): Uncertain significance. Review status: criteria provided, multiple submitters, no conflicts (2 of 4 stars). 2 submissions from 2 submitters: Uncertain significance (2). Last evaluated 2026-04-11.

Conditions:
Inborn genetic diseases. Identifiers: MedGen C0950123, MeSH D030342.
Dystonia 5 (DRD). Also called: GTP Cyclohydrolase 1-Deficient Dopa-Responsive Dystonia; DYSTONIA, PROGRESSIVE, WITH DIURNAL VARIATION; DYSTONIA-PARKINSONISM WITH DIURNAL FLUCTUATION; DYT-GCH1; Dystonia, DOPA-responsive, with or without hyperphenylalaninemia. Identifiers: Orphanet 98808, MedGen C1851920, MONDO:0007495, OMIM 128230.
GTP cyclohydrolase I deficiency. Identifiers: MedGen C0268467, MONDO:0100184.

gnomAD v4.1: 12 of 1,544,888 alleles (0.00078%); highest among the groups gnomAD compares: Non-Finnish European, 0.001%; no homozygotes.

Submissions (2):

Ambry Genetics
Classification: Uncertain significance for Inborn genetic diseases. Last evaluated: 2026-04-11. Review status: criteria provided, single submitter. Criteria: Ambry Variant Classification Scheme 2023. Collection method: clinical testing. Allele origin: germline.
Comment: The c.119C>G (p.P40R) alteration is located in exon 1 (coding exon 1) of the GCH1 gene. This alteration results from a C to G substitution at nucleotide position 119, causing the proline (P) at amino acid position 40 to be replaced by an arginine (R). Based on data from gnomAD, the G allele has an overall frequency of 0.001% (1/140534) total alleles studied. The highest observed frequency was 0.002% (1/55092) of European (non-Finnish) alleles. Based on insufficient or conflicting evidence, the clinical significance of this alteration remains unclear.

Labcorp Genetics (formerly Invitae), Labcorp
Classification: Uncertain significance for GTP cyclohydrolase I deficiency; Dystonia 5. Last evaluated: 2021-08-27. Review status: criteria provided, single submitter. Criteria: Invitae Variant Classification Sherloc (09022015). Collection method: clinical testing. Allele origin: germline.
Comment: This sequence change replaces proline with arginine at codon 40 of the GCH1 protein (p.Pro40Arg). The proline residue is moderately conserved and there is a moderate physicochemical difference between proline and arginine. The frequency data for this variant in the population databases is considered unreliable, as metrics indicate insufficient coverage at this position in the ExAC database. This variant has not been reported in the literature in individuals affected with GCH1-related conditions. Algorithms developed to predict the effect of missense changes on protein structure and function output the following: SIFT: "Tolerated"; PolyPhen-2: "Benign"; Align-GVGD: "Class C0". The arginine amino acid residue is found in multiple mammalian species, which suggests that this missense change does not adversely affect protein function. In summary, the available evidence is currently insufficient to determine the role of this variant in disease. Therefore, it has been classified as a Variant of Uncertain Significance.

NM_000161.3(GCH1):c.119C>G (p.Pro40Arg)

Genes: GCH1 (GTP cyclohydrolase 1; minus strand), LOC130055692 (ATAC-STARR-seq lymphoblastoid silent region 5776; plus strand). Cytogenetic location: 14q22.2.
Variant type: single nucleotide variant.
Coding change: c.119C>G on transcript NM_000161.3 (MANE Select); coding-DNA position 119, C replaced by G.
Protein change: p.Pro40Arg; replaces proline 40 with arginine.
Molecular consequence: missense variant.
Genome position (GRCh38, 1-based): chr14:54,902,545, G>C on the plus strand (C>G on the coding strand, the complement: GCH1 is on the minus strand). VCF-style: chr14-54902545-G-C. GRCh37 (hg19) VCF-style: chr14-55369263-G-C.
Other names: c.119C>G, p.Pro40Arg (NM_001024024.2, NM_001024070.2, NM_001024071.2); short protein forms P40R.
Identifiers: ClinVar variation 459898 (VCV000459898.8), dbSNP rs995999325, ClinGen allele CA260531777.